The following is an entry in ClinVar:

ClinVar aggregate classification (germline): Uncertain significance (1 of 4 stars; one submission).

Allele frequency attached by ClinVar (database versions not stated): TOPMed below 0.00001; gnomAD 0.00001; gnomAD exomes 0.00002; ExAC 0.00003; ESP Exome Variant Server 0.00008.

Submission:

Labcorp Genetics (formerly Invitae), Labcorp
Classification: Uncertain significance. Last evaluated: 2024-05-08. Review status: criteria provided, single submitter. Criteria: Invitae Variant Classification Sherloc (09022015). Collection method: clinical testing. Allele origin: germline.
Comment: This sequence change replaces serine, which is neutral and polar, with phenylalanine, which is neutral and non-polar, at codon 150 of the TRMT5 protein (p.Ser150Phe). This variant is present in population databases (rs146315661, gnomAD 0.006%). This variant has not been reported in the literature in individuals affected with TRMT5-related conditions. ClinVar contains an entry for this variant (Variation ID: 1510895). Advanced modeling of protein sequence and biophysical properties (such as structural, functional, and spatial information, amino acid conservation, physicochemical variation, residue mobility, and thermodynamic stability) has been performed at Invitae for this missense variant, however the output from this modeling did not meet the statistical confidence thresholds required to predict the impact of this variant on TRMT5 protein function. In summary, the available evidence is currently insufficient to determine the role of this variant in disease. Therefore, it has been classified as a Variant of Uncertain Significance.

NM_020810.3(TRMT5):c.449C>T (p.Ser150Phe)

Gene: TRMT5 (tRNA methyltransferase 5; minus strand). Cytogenetic location: 14q23.1.
Variant type: single nucleotide variant.
Coding change: c.449C>T on transcript NM_020810.3 (MANE Select); coding-DNA position 449, C replaced by T.
Protein change: p.Ser150Phe; replaces serine 150 with phenylalanine.
Molecular consequence: missense variant.
Genome position (GRCh38, 1-based): chr14:60,979,449, G>A on the plus strand (C>T on the coding strand, the complement: TRMT5 is on the minus strand). VCF-style: chr14-60979449-G-A. GRCh37 (hg19) VCF-style: chr14-61446167-G-A.
Other names: c.533C>T, p.Ser178Phe (NM_001350253.1); c.530C>T, p.Ser177Phe (NM_001350254.1); short protein forms S178F, S150F, S177F.
Identifiers: ClinVar variation 1510895 (VCV001510895.6), dbSNP rs146315661, ClinGen allele CA7213921.
Genomic context (GRCh38, chr14:60,979,449, plus strand): 5'-TTAGAGATCTGTGGACTGACATTAAGCTGCTCTAAAACACTGAGTTCTGCTTTCTCAAAG[G>A]AATCATGAGTAAATATTTTATAGGGATCCAACATGATTAGTCTACTTTCTTTATCTTCCG-3'
Protein context (NP_065861.3, residues 140-160): LDPYKIFTHD[Ser150Phe]FEKAELSVLE